The following is an entry in ClinVar:

ClinVar aggregate classification (germline): Uncertain significance (1 of 4 stars; one submission).

Conditions:
DOCK2 deficiency. Also called: Immunodeficiency 40. Identifiers: Orphanet 447737, MedGen C4225328, MONDO:0014637, OMIM 616433.

Allele frequency attached by ClinVar (database versions not stated): gnomAD exomes below 0.00001; TOPMed below 0.00001.
gnomAD v4.1: 1 of 1,613,850 alleles (0.000062%); highest among the groups gnomAD compares: East Asian, 0.0022%; no homozygotes.

Submission:

Labcorp Genetics (formerly Invitae), Labcorp
Classification: Uncertain significance for DOCK2 deficiency. Last evaluated: 2018-09-26. Review status: criteria provided, single submitter. Criteria: Invitae Variant Classification Sherloc (09022015). Collection method: clinical testing. Allele origin: germline.
Comment: In summary, the available evidence is currently insufficient to determine the role of this variant in disease. Therefore, it has been classified as a Variant of Uncertain Significance. Algorithms developed to predict the effect of missense changes on protein structure and function (SIFT, PolyPhen-2, Align-GVGD) all suggest that this variant is likely to be tolerated, but these predictions have not been confirmed by published functional studies and their clinical significance is uncertain. This variant has not been reported in the literature in individuals with DOCK2-related disease. This variant is not present in population databases (ExAC no frequency). This sequence change replaces serine with arginine at codon 585 of the DOCK2 protein (p.Ser585Arg). The serine residue is weakly conserved and there is a moderate physicochemical difference between serine and arginine.

NM_004946.3(DOCK2):c.1753A>C (p.Ser585Arg)

Gene: DOCK2 (dedicator of cytokinesis 2; plus strand). Cytogenetic location: 5q35.1.
Variant type: single nucleotide variant.
Coding change: c.1753A>C on transcript NM_004946.3 (MANE Select); coding-DNA position 1753, A replaced by C.
Protein change: p.Ser585Arg; replaces serine 585 with arginine.
Molecular consequence: missense variant. On other transcripts: non-coding transcript variant (1).
Genome position (GRCh38, 1-based): chr5:169,714,121, A>C. VCF-style: chr5-169714121-A-C. GRCh37 (hg19) VCF-style: chr5-169141125-A-C.
Other names: c.1753A>C, p.Ser585Arg (LRG_1227t1); short protein forms S585R.
Identifiers: ClinVar variation 651147 (VCV000651147.8), dbSNP rs1466532077, ClinGen allele CA362107854.